The following is an entry in ClinVar:

ClinVar aggregate classification (germline): Likely pathogenic (1 of 4 stars; one submission).

Conditions:
3-methylcrotonyl-CoA carboxylase 1 deficiency (MCC1D). Also called: MCCD TYPE 1; METHYLCROTONYLGLYCINURIA TYPE I; MCC 1 deficiency; 3 Alpha methylcrotonylglycinuria 1. Identifiers: Orphanet 6, MedGen CN028786, MONDO:0008861, OMIM 210200.

Submission:

Labcorp Genetics (formerly Invitae), Labcorp
Classification: Likely pathogenic for 3-methylcrotonyl-CoA carboxylase 1 deficiency. Last evaluated: 2023-12-23. Review status: criteria provided, single submitter. Criteria: Invitae Variant Classification Sherloc (09022015). Collection method: clinical testing. Allele origin: germline.
Comment: This sequence change affects a donor splice site in intron 8 of the MCCC1 gene. It is expected to disrupt RNA splicing. Variants that disrupt the donor or acceptor splice site typically lead to a loss of protein function (PMID: 16199547), and loss-of-function variants in MCCC1 are known to be pathogenic (PMID: 11181649, 15359379, 22642865). This variant is not present in population databases (gnomAD no frequency). This variant has not been reported in the literature in individuals affected with MCCC1-related conditions. Algorithms developed to predict the effect of sequence changes on RNA splicing suggest that this variant may disrupt the consensus splice site. In summary, the currently available evidence indicates that the variant is pathogenic, but additional data are needed to prove that conclusively. Therefore, this variant has been classified as Likely Pathogenic.

Literature cited by the submitters: PubMed 16199547; PubMed 11181649; PubMed 15359379; PubMed 22642865.

NM_020166.5(MCCC1):c.873+1G>A

Gene: MCCC1 (methylcrotonyl-CoA carboxylase subunit 1; minus strand). Cytogenetic location: 3q27.1.
Variant type: single nucleotide variant.
Coding change: c.873+1G>A on transcript NM_020166.5 (MANE Select); the canonical splice donor site of the intron after coding-DNA position 873, G replaced by A.
Molecular consequence: splice donor variant.
Genome position (GRCh38, 1-based): chr3:183,057,310, C>T on the plus strand (G>A on the coding strand, the complement: MCCC1 is on the minus strand). VCF-style: chr3-183057310-C-T. GRCh37 (hg19) VCF-style: chr3-182775098-C-T.
Other names: c.546+1G>A (NM_001363880.1); c.522+1G>A (NM_001293273.2).
Identifiers: ClinVar variation 2705110 (VCV002705110.3), dbSNP rs2530272868, ClinGen allele CA355327550.